The following is an entry in ClinVar:

NM_001103.4(ACTN2):c.1515G>A (p.Glu505=)

Gene: ACTN2 (actinin alpha 2; plus strand). Cytogenetic location: 1q43.
Variant type: single nucleotide variant.
Coding change: c.1515G>A on transcript NM_001103.4 (MANE Select); coding-DNA position 1515, G replaced by A.
Protein change: p.Glu505=; no amino-acid change (glutamic acid 505 retained).
Molecular consequence: synonymous variant. On other transcripts: non-coding transcript variant (1).
Genome position (GRCh38, 1-based): chr1:236,747,775, G>A. VCF-style: chr1-236747775-G-A. GRCh37 (hg19) VCF-style: chr1-236911075-G-A.
Other names: c.1515G>A, p.Glu505= (NM_001278343.2).
Identifiers: ClinVar variation 3756797 (VCV003756797.2).

ClinVar aggregate classification (germline): Uncertain significance (1 of 4 stars; one submission).

Conditions:
Primary familial hypertrophic cardiomyopathy (HCM). Identifiers: Orphanet 99739, MedGen C0949658, MeSH D024741, MONDO:0024573. Inheritance: Various modes of inheritance.
Dilated cardiomyopathy 1AA (CMD1AA). Also called: CARDIOMYOPATHY, DILATED, 1AA, WITH OR WITHOUT LEFT VENTRICULAR NONCOMPACTION; CARDIOMYOPATHY, FAMILIAL HYPERTROPHIC, 23, WITH OR WITHOUT LEFT VENTRICULAR NONCOMPACTION; Cardiomyopathy, dilated, 1AA, with or without LVNC. Identifiers: Orphanet 154, MedGen C2677338, MONDO:0012808, OMIM 612158.

Submission:

Labcorp Genetics (formerly Invitae), Labcorp
Classification: Uncertain significance for Primary familial hypertrophic cardiomyopathy; Dilated cardiomyopathy 1AA. Last evaluated: 2024-06-29. Review status: criteria provided, single submitter. Criteria: Invitae Variant Classification Sherloc (09022015). Collection method: clinical testing. Allele origin: germline.
Comment: This sequence change affects codon 505 of the ACTN2 mRNA. It is a 'silent' change, meaning that it does not change the encoded amino acid sequence of the ACTN2 protein. This variant also falls at the last nucleotide of exon 13, which is part of the consensus splice site for this exon. This variant is not present in population databases (gnomAD no frequency). This variant has not been reported in the literature in individuals affected with ACTN2-related conditions. Variants that disrupt the consensus splice site are a relatively common cause of aberrant splicing (PMID: 17576681, 9536098). Algorithms developed to predict the effect of sequence changes on RNA splicing suggest that this variant may disrupt the consensus splice site. In summary, the available evidence is currently insufficient to determine the role of this variant in disease. Therefore, it has been classified as a Variant of Uncertain Significance.

Literature cited by the submitters: PubMed 17576681; PubMed 9536098.